The following is an entry in ClinVar:

ClinVar aggregate classification (germline): Conflicting classifications of pathogenicity. Review status: criteria provided, conflicting classifications (1 of 4 stars). 4 submissions from 4 submitters: Pathogenic (2); Uncertain significance (2). Last evaluated 2026-01-12.

Conditions:
Congenital myotonia, autosomal recessive form. Also called: myotonia congenita, autosomal recessive; BECKER DISEASE; Becker Generalized Myotonia. Identifiers: Orphanet 614, MedGen C0751360, MONDO:0009715, OMIM 255700.
Congenital myotonia, autosomal dominant form (THD). Also called: THOMSEN DISEASE; Myotonia congenita autosomal dominant. Identifiers: Orphanet 614, MedGen C2936781, MONDO:0008055, OMIM 160800.

Allele frequency attached by ClinVar (database versions not stated): ExAC 0.00002; gnomAD exomes 0.00002 and 0.00006; TOPMed 0.00003; gnomAD 0.00004.
gnomAD v4.1: 84 of 1,614,094 alleles (0.0052%); highest among the groups gnomAD compares: Non-Finnish European, 0.0071%; no homozygotes.

Submissions (4):

Labcorp Genetics (formerly Invitae), Labcorp
Classification: Pathogenic for Congenital myotonia, autosomal recessive form; Congenital myotonia, autosomal dominant form. Last evaluated: 2026-01-12. Review status: criteria provided, single submitter. Criteria: Invitae Variant Classification Sherloc (09022015). Collection method: clinical testing. Allele origin: germline.
Comment: This sequence change replaces glutamine, which is neutral and polar, with arginine, which is basic and polar, at codon 583 of the CLCN1 protein (p.Gln583Arg). This variant is present in population databases (rs747895358, gnomAD 0.004%). This missense change has been observed in individual(s) with clinical features of autosomal recessive CLCN1-related conditions (PMID: 34529042; internal data). In at least one individual the data is consistent with being in trans (on the opposite chromosome) from a pathogenic variant. ClinVar contains an entry for this variant (Variation ID: 447057). Invitae Evidence Modeling of protein sequence and biophysical properties (such as structural, functional, and spatial information, amino acid conservation, physicochemical variation, residue mobility, and thermodynamic stability) has been performed for this missense variant. However, the output from this modeling did not meet the statistical confidence thresholds required to predict the impact of this variant on CLCN1 protein function. Experimental studies have shown that this missense change affects CLCN1 function (PMID: 34529042). For these reasons, this variant has been classified as Pathogenic.

Athena Diagnostics
Classification: Pathogenic. Last evaluated: 2025-01-17. Review status: criteria provided, single submitter. Criteria: Athena Diagnostics Criteria. Collection method: clinical testing. Allele origin: unknown.
Comment: The frequency of this variant in the general population is consistent with pathogenicity. In multiple individuals with autosomal recessive myotonia congenita, this variant has been seen with a single recessive pathogenic variant in the same gene, suggesting this variant may also be pathogenic. Assessment of experimental evidence suggests this variant results in abnormal protein function. (PMID: 34529042)

Women's Health and Genetics/Laboratory Corporation of America, LabCorp
Classification: Uncertain significance. Last evaluated: 2023-07-27. Review status: criteria provided, single submitter. Criteria: LabCorp Variant Classification Summary - May 2015. Collection method: clinical testing. Allele origin: germline.
Comment: Variant summary: CLCN1 c.1748A>G (p.Gln583Arg) results in a conservative amino acid change in the encoded protein sequence. Three of five in-silico tools predict a damaging effect of the variant on protein function. The variant allele was found at a frequency of 1.6e-05 in 251184 control chromosomes (i.e., 4 heterozygotes; gnomAD v2.1 Exomes dataset). The available data on variant occurrences in the general population are insufficient to allow any conclusion about variant significance. c.1748A>G has been reported in the literature in at least two compound heterozygous individuals affected with Myotonia congenita (e.g., Suetterlin_2022); segregation analysis confirmed a recessive pattern of inheritance in at least one of these individuals. These data indicate that the variant may be associated with disease. At least one publication reports experimental evidence evaluating an impact on protein function, finding that the variant affects the voltage dependence of activation in a manner in agreement with the variant being pathogenic in a recessive, but not a dominant setting (e.g., Suetterlin_2022). However, these findings do not allow convincing conclusions about the variant effect. The following publication was ascertained in the context of this evaluation (PMID: 34529042). Three submitters have reported clinical-significance assessments for this variant to ClinVar after 2014. All submitters classified the variant as uncertain significance. Based on the evidence outlined above, the variant was classified as VUS-possibly pathogenic.

Revvity Omics, Revvity
Classification: Uncertain significance. Last evaluated: 2021-05-20. Review status: criteria provided, single submitter. Criteria: ACMG Guidelines, 2015. Collection method: clinical testing. Allele origin: germline.

Literature cited by the submitters: PubMed 34529042 (cited by 3 submitters).

NM_000083.3(CLCN1):c.1748A>G (p.Gln583Arg)

Gene: CLCN1 (chloride voltage-gated channel 1; plus strand). Cytogenetic location: 7q34.
Variant type: single nucleotide variant.
Coding change: c.1748A>G on transcript NM_000083.3 (MANE Select); coding-DNA position 1748, A replaced by G.
Protein change: p.Gln583Arg; replaces glutamine 583 with arginine.
Molecular consequence: missense variant. On other transcripts: non-coding transcript variant (1).
Genome position (GRCh38, 1-based): chr7:143,342,094, A>G. VCF-style: chr7-143342094-A-G. GRCh37 (hg19) VCF-style: chr7-143039187-A-G.
Other names: short protein forms Q583R.
Identifiers: ClinVar variation 447057 (VCV000447057.18), dbSNP rs747895358, ClinGen allele CA4537461.
Genomic context (GRCh38, chr7:143,342,094, plus strand): 5'-TTATCTTGGCCAACATGGTGGCCCAGAGCCTGCAGCCCTCTCTCTATGACAGCATCATCC[A>G]GGTCAAGAAGCTACCCTACTTGCCTGACCTTGGCTGGAACCAGCTCAGGTCAGGGGCACT-3'
Protein context (NP_000074.3, residues 573-593): LQPSLYDSII[Gln583Arg]VKKLPYLPDL